The following is an entry in ClinVar:

ClinVar aggregate classification (germline): Uncertain significance (1 of 4 stars; one submission).

Conditions:
Progressive myoclonic epilepsy type 3. Also called: KCTD7-Related Progressive Myoclonic Epilepsy; EPILEPSY, PROGRESSIVE MYOCLONIC, 3, WITHOUT INTRACELLULAR INCLUSIONS; EPILEPSY, PROGRESSIVE MYOCLONIC, 3, WITH OR WITHOUT INTRACELLULAR INCLUSIONS; CEROID LIPOFUSCINOSIS, NEURONAL, 14. Identifiers: Orphanet 263516, MedGen C2673257, MONDO:0012721, OMIM 611726.

Submission:

Labcorp Genetics (formerly Invitae), Labcorp
Classification: Uncertain significance for Progressive myoclonic epilepsy type 3. Last evaluated: 2020-03-12. Review status: criteria provided, single submitter. Criteria: Invitae Variant Classification Sherloc (09022015). Collection method: clinical testing. Allele origin: germline.
Comment: Algorithms developed to predict the effect of missense changes on protein structure and function (SIFT, PolyPhen-2, Align-GVGD) all suggest that this variant is likely to be tolerated, but these predictions have not been confirmed by published functional studies and their clinical significance is uncertain. In summary, the available evidence is currently insufficient to determine the role of this variant in disease. Therefore, it has been classified as a Variant of Uncertain Significance. This variant has not been reported in the literature in individuals with KCTD7-related conditions. This variant is not present in population databases (ExAC no frequency). This sequence change replaces arginine with leucine at codon 12 of the KCTD7 protein (p.Arg12Leu). The arginine residue is moderately conserved and there is a moderate physicochemical difference between arginine and leucine.

NM_153033.5(KCTD7):c.35G>T (p.Arg12Leu)

Genes: KCTD7 (potassium channel tetramerization domain containing 7; plus strand), LOC129998533 (ATAC-STARR-seq lymphoblastoid silent region 18210; plus strand). Cytogenetic location: 7q11.21.
Variant type: single nucleotide variant.
Coding change: c.35G>T on transcript NM_153033.5 (MANE Select); coding-DNA position 35, G replaced by T.
Protein change: p.Arg12Leu; replaces arginine 12 with leucine.
Molecular consequence: missense variant.
Genome position (GRCh38, 1-based): chr7:66,629,099, G>T. VCF-style: chr7-66629099-G-T. GRCh37 (hg19) VCF-style: chr7-66094086-G-T.
Other names: c.35G>T, p.Arg12Leu (NM_001167961.2); short protein forms R12L.
Identifiers: ClinVar variation 1039678 (VCV001039678.9), dbSNP rs763423181, ClinGen allele CA367695199.